The following is an entry in ClinVar:

ClinVar aggregate classification (germline): Uncertain significance (1 of 4 stars; one submission).

gnomAD v4.1: 1 of 1,612,864 alleles (0.000062%); highest among the groups gnomAD compares: Non-Finnish European, 0.000085%; no homozygotes.

Submission:

Labcorp Genetics (formerly Invitae), Labcorp
Classification: Uncertain significance. Last evaluated: 2025-05-01. Review status: criteria provided, single submitter. Criteria: Invitae Variant Classification Sherloc (09022015). Collection method: clinical testing. Allele origin: germline.
Comment: This sequence change replaces glutamine, which is neutral and polar, with arginine, which is basic and polar, at codon 201 of the DSG1 protein (p.Gln201Arg). This variant is not present in population databases (gnomAD no frequency). This variant has not been reported in the literature in individuals affected with DSG1-related conditions. Invitae Evidence Modeling of protein sequence and biophysical properties (such as structural, functional, and spatial information, amino acid conservation, physicochemical variation, residue mobility, and thermodynamic stability) indicates that this missense variant is not expected to disrupt DSG1 protein function with a negative predictive value of 80%. In summary, the available evidence is currently insufficient to determine the role of this variant in disease. Therefore, it has been classified as a Variant of Uncertain Significance.

NM_001942.4(DSG1):c.602A>G (p.Gln201Arg)

Gene: DSG1 (desmoglein 1; plus strand). Cytogenetic location: 18q12.1.
Variant type: single nucleotide variant.
Coding change: c.602A>G on transcript NM_001942.4 (MANE Select); coding-DNA position 602, A replaced by G.
Protein change: p.Gln201Arg; replaces glutamine 201 with arginine.
Molecular consequence: missense variant.
Genome position (GRCh38, 1-based): chr18:31,331,785, A>G. VCF-style: chr18-31331785-A-G. GRCh37 (hg19) VCF-style: chr18-28911748-A-G.
Other names: short protein forms Q201R.
Identifiers: ClinVar variation 4807538 (VCV004807538.1).
Genomic context (GRCh38, chr18:31,331,785, plus strand): 5'-CTACTGACGCAGATGAACCGAACAATTTGAACTCAAAAATAGCCTTCAAGATTATAAGAC[A>G]AGAACCTTCAGATTCACCAATGTTTATTATCAACAGAAATACTGGAGAAATTCGAACGAT-3'
Protein context (NP_001933.2, residues 191-211): NSKIAFKIIR[Gln201Arg]EPSDSPMFII